The following is an entry in ClinVar:

ClinVar aggregate classification (germline): Uncertain significance (1 of 4 stars; one submission).

Conditions:
Inborn genetic diseases. Identifiers: MedGen C0950123, MeSH D030342.

Submission:

Ambry Genetics
Classification: Uncertain significance for Inborn genetic diseases. Last evaluated: 2026-06-14. Review status: criteria provided, single submitter. Criteria: Ambry Variant Classification Scheme 2023. Collection method: clinical testing. Allele origin: germline.
Comment: The p.Q42H variant (also known as c.126A>C), located in coding exon 2 of the BMPR2 gene, results from an A to C substitution at nucleotide position 126. The glutamine at codon 42 is replaced by histidine, an amino acid with highly similar properties. This amino acid position is conserved. In addition, this alteration is predicted to be deleterious by in silico analysis. Based on the available evidence, the clinical significance of this variant remains unclear.

NM_001204.7(BMPR2):c.126A>C (p.Gln42His)

Gene: BMPR2 (bone morphogenetic protein receptor type 2; plus strand). Cytogenetic location: 2q33.1.
Variant type: single nucleotide variant.
Coding change: c.126A>C on transcript NM_001204.7 (MANE Select); coding-DNA position 126, A replaced by C.
Protein change: p.Gln42His; replaces glutamine 42 with histidine.
Molecular consequence: missense variant.
Genome position (GRCh38, 1-based): chr2:202,464,858, A>C. VCF-style: chr2-202464858-A-C. GRCh37 (hg19) VCF-style: chr2-203329581-A-C.
Other names: short protein forms Q42H.
Identifiers: ClinVar variation 4867664 (VCV004867664.1).